The following is an entry in ClinVar:

NM_006514.4(SCN10A):c.3409G>A (p.Val1137Met)

Genes: SCN10A (sodium voltage-gated channel alpha subunit 10; minus strand), LOC110121288 (VISTA enhancer hs2268; plus strand). Cytogenetic location: 3p22.2.
Variant type: single nucleotide variant.
Coding change: c.3409G>A on transcript NM_006514.4 (MANE Select); coding-DNA position 3409, G replaced by A.
Protein change: p.Val1137Met; replaces valine 1137 with methionine.
Molecular consequence: missense variant.
Genome position (GRCh38, 1-based): chr3:38,722,356, C>T on the plus strand (G>A on the coding strand, the complement: SCN10A is on the minus strand). VCF-style: chr3-38722356-C-T. GRCh37 (hg19) VCF-style: chr3-38763847-C-T.
Other names: c.3406G>A, p.Val1136Met (NM_001293306.2); c.3115G>A, p.Val1039Met (NM_001293307.2); c.3409G>A (NM_006514.2); short protein forms V1136M, V1137M, V1039M.
Identifiers: ClinVar variation 848806 (VCV000848806.8), dbSNP rs1278228854, ClinGen allele CA352155581.

ClinVar aggregate classification (germline): Conflicting classifications of pathogenicity. Review status: criteria provided, conflicting classifications (1 of 4 stars). 2 submissions from 2 submitters: Uncertain significance (1); Likely benign (1). Last evaluated 2025-12-08.

Conditions:
Brugada syndrome. Also called: Sudden Unexplained Death Syndrome; Sudden Unexplained Nocturnal Death Syndrome (SUNDS); Sudden unexpected nocturnal death syndrome; Sudden unexplained nocturnal death syndrome. Identifiers: Orphanet 130, MedGen C1142166, MONDO:0015263.
Cardiovascular phenotype. Identifiers: MedGen CN230736.

Allele frequency attached by ClinVar (database versions not stated): gnomAD 0.00001; TOPMed 0.00001; gnomAD exomes 0.00002.
gnomAD v4.1: 29 of 1,614,046 alleles (0.0018%); highest among the groups gnomAD compares: Non-Finnish European, 0.0024%; no homozygotes.

Submissions (2):

Labcorp Genetics (formerly Invitae), Labcorp
Classification: Uncertain significance for Brugada syndrome. Last evaluated: 2025-12-08. Review status: criteria provided, single submitter. Criteria: Invitae Variant Classification Sherloc (09022015). Collection method: clinical testing. Allele origin: germline.
Comment: This sequence change replaces valine, which is neutral and non-polar, with methionine, which is neutral and non-polar, at codon 1137 of the SCN10A protein (p.Val1137Met). This variant is not present in population databases (gnomAD no frequency). This variant has not been reported in the literature in individuals affected with SCN10A-related conditions. ClinVar contains an entry for this variant (Variation ID: 848806). Invitae Evidence Modeling of protein sequence and biophysical properties (such as structural, functional, and spatial information, amino acid conservation, physicochemical variation, residue mobility, and thermodynamic stability) indicates that this missense variant is not expected to disrupt SCN10A protein function with a negative predictive value of 80%. In summary, the available evidence is currently insufficient to determine the role of this variant in disease. Therefore, it has been classified as a Variant of Uncertain Significance.

Ambry Genetics
Classification: Likely benign for Cardiovascular phenotype. Last evaluated: 2022-12-31. Review status: criteria provided, single submitter. Criteria: Ambry Variant Classification Scheme 2023. Collection method: clinical testing. Allele origin: germline.